The following is an entry in ClinVar:

NM_138272.3(MPIG6B):c.354_358del (p.Val119fs)

Gene: MPIG6B (megakaryocyte and platelet inhibitory receptor G6b; plus strand). Cytogenetic location: 6p21.33.
Variant type: Deletion.
Coding change: c.354_358del on transcript NM_138272.3 (MANE Select); coding-DNA positions 354 to 358, 5 bases deleted (AGTGC; older notation c.354_358delAGTGC).
Protein change: p.Val119fs; shifts the reading frame from valine 119.
Molecular consequence: frameshift variant.
Genome position (GRCh38, 1-based): chr6:31,723,931-31,723,935, AGTGC deleted; deleting any 5 consecutive bases within chr6:31,723,930-31,723,935 gives the same sequence; the c. name uses the placement nearest the transcript's 3' end. VCF-style (leftmost placement, unchanged base first): chr6-31723929-ACAGTG-A. GRCh37 (hg19) VCF-style: chr6-31691706-ACAGTG-A.
Other names: c.354_358del, p.Val119fs (NM_138273.3, NM_138274.3, NM_138275.3 and 2 more transcripts); short protein forms V119fs.
Identifiers: ClinVar variation 5007013 (VCV005007013.2).

ClinVar aggregate classification (germline): Likely pathogenic (1 of 4 stars; one submission).

Conditions:
Thrombocytopenia, anemia, and myelofibrosis (THAMY). Identifiers: MedGen C4479504, MONDO:0044316, OMIM 617441.

Submission:

Juno Genomics, Hangzhou Juno Genomics, Inc
Classification: Likely pathogenic for Thrombocytopenia, anemia, and myelofibrosis. Review status: criteria provided, single submitter. Criteria: ACMG Guidelines, 2015. Collection method: clinical testing. Allele origin: germline.
Comment: Null variant in a gene where loss of function (LOF) is a known mechanism of disease.;Absent from controls (or at extremely low frequency if recessive) in Genome Aggregation Database.